The following is an entry in ClinVar:

NM_001378457.1(DMXL2):c.88-17_88-3dup

Gene: DMXL2 (Dmx like 2; minus strand). Cytogenetic location: 15q21.2.
Variant type: Duplication.
Coding change: c.88-17_88-3dup on transcript NM_001378457.1 (MANE Select); 17 bases into the intron before coding-DNA position 88 through 3 bases into the intron before coding-DNA position 88, 15 bases duplicated (TTTTTTTTTTTTTTT).
Molecular consequence: intron variant.
Genome position (GRCh38, 1-based): chr15:51,576,184-51,576,198, AAAAAAAAAAAAAAA duplicated on the plus strand (TTTTTTTTTTTTTTT on the coding strand, the reverse complement: DMXL2 is on the minus strand); duplicating any 15 consecutive bases within chr15:51,576,184-51,576,203 gives the same sequence; the c. name uses the placement nearest the transcript's 3' end. VCF-style (leftmost placement, unchanged base first): chr15-51576183-T-TAAAAAAAAAAAAAAA. GRCh37 (hg19) VCF-style: chr15-51868380-T-TAAAAAAAAAAAAAAA.
Other names: p.?; c.88-17_88-3dup (NM_001378460.1, NM_001174117.3, NM_015263.5 and 8 more transcripts).
Identifiers: ClinVar variation 791594 (VCV000791594.9), dbSNP rs3078066, ClinGen allele CA490511882.

ClinVar aggregate classification (germline): Benign. Review status: criteria provided, multiple submitters, no conflicts (2 of 4 stars). 2 submissions from 2 submitters: Benign (2). Last evaluated 2026-02-03.

Submissions (2):

Labcorp Genetics (formerly Invitae), Labcorp
Classification: Benign. Last evaluated: 2026-02-03. Review status: criteria provided, single submitter. Criteria: Invitae Variant Classification Sherloc (09022015). Collection method: clinical testing. Allele origin: germline.

Mayo Clinic Laboratories, Mayo Clinic
Classification: Benign. Last evaluated: 2025-01-02. Review status: criteria provided, single submitter. Criteria: ACMG Guidelines, 2015. Collection method: clinical testing. Allele origin: germline. Observed: 11 variant alleles.
Comment: BA1, BP4, BP7